The following is an entry in ClinVar:

NM_001374736.1(DST):c.3904C>G (p.Arg1302Gly)

Gene: DST (dystonin; minus strand). Cytogenetic location: 6p12.1.
Variant type: single nucleotide variant.
Coding change: c.3904C>G on transcript NM_001374736.1 (MANE Select); coding-DNA position 3904, C replaced by G.
Protein change: p.Arg1302Gly; replaces arginine 1302 with glycine.
Molecular consequence: missense variant.
Genome position (GRCh38, 1-based): chr6:56,631,942, G>C on the plus strand (C>G on the coding strand, the complement: DST is on the minus strand). VCF-style: chr6-56631942-G-C. GRCh37 (hg19) VCF-style: chr6-56496740-G-C.
Other names: c.3805C>G, p.Arg1269Gly (NM_001144769.5); c.3391C>G, p.Arg1131Gly (NM_001144770.2); c.3904C>G, p.Arg1302Gly (NM_001374722.1); c.3271C>G, p.Arg1091Gly (NM_001374729.1, NM_001374730.1, NM_001386100.1 and 1 more transcripts); c.3931C>G, p.Arg1311Gly (NM_001374734.1); c.2293C>G, p.Arg765Gly (NM_001723.7, NM_015548.5); short protein forms R1091G, R1131G, R765G, R1269G, R1302G, R1311G.
Identifiers: ClinVar variation 646309 (VCV000646309.11), dbSNP rs746334674, ClinGen allele CA3871031.
Genomic context (GRCh38, chr6:56,631,942, plus strand): 5'-CCTCCTGTTCTGTGATTCTGAACACACTTTCATGCAAATCATCTCTTTCCAGGGGAGTTC[G>C]AATCTGTCTAATCAGCCGATCTTCACAGTTCTCTAACCGAAGTCTAATGTTTCGAACTTC-3'
Protein context (NP_001361665.1, residues 1292-1312): NCEDRLIRQI[Arg1302Gly]TPLERDDLHE

ClinVar aggregate classification (germline): Uncertain significance. Review status: criteria provided, multiple submitters, no conflicts (2 of 4 stars). 3 submissions from 3 submitters: Uncertain significance (3). Last evaluated 2026-06-09.

Conditions:
DST-related disorder. Also called: DST-related condition; DST-related disorders.
Epidermolysis bullosa simplex 3, localized or generalized intermediate, with BP230 deficiency (EBS3). Also called: Epidermolysis bullosa simplex, autosomal recessive 2; Epidermolysis bullosa simplex due to BP230 deficiency. Identifiers: Orphanet 412181, MedGen C3809470, MONDO:0014180, OMIM 615425.
Hereditary sensory and autonomic neuropathy type 6. Also called: Neuropathy, hereditary sensory and autonomic, type VI; HSAN VI. Identifiers: Orphanet 314381, MedGen C3539003, MONDO:0013839, OMIM 614653.
Inborn genetic diseases. Identifiers: MedGen C0950123, MeSH D030342.

Allele frequency attached by ClinVar (database versions not stated): gnomAD exomes 0.00001 and 0.00003; ExAC 0.00002; TOPMed 0.00007; gnomAD 0.00008 and 0.00009.
gnomAD v4.1: 30 of 1,613,718 alleles (0.0019%); highest among the groups gnomAD compares: African/African-American, 0.032%; no homozygotes.

Submissions (3):

PreventionGenetics, part of Exact Sciences
Classification: Uncertain significance for DST-related condition. Last evaluated: 2026-06-09. Review status: criteria provided, single submitter. Criteria: ACMG Guidelines, 2015. Collection method: clinical testing. Allele origin: germline.
Comment: The DST c.2293C>G variant is predicted to result in the amino acid substitution p.Arg765Gly. To our knowledge, this variant has not been reported in the literature. This variant is reported in 0.036% of alleles in individuals of African descent in gnomAD. At this time, the clinical significance of this variant is uncertain due to the absence of conclusive functional and genetic evidence.

Labcorp Genetics (formerly Invitae), Labcorp
Classification: Uncertain significance for Epidermolysis bullosa simplex 3, localized or generalized intermediate, with BP230 deficiency; Hereditary sensory and autonomic neuropathy type 6. Last evaluated: 2021-09-02. Review status: criteria provided, single submitter. Criteria: Invitae Variant Classification Sherloc (09022015). Collection method: clinical testing. Allele origin: germline.
Comment: This sequence change replaces arginine with glycine at codon 765 of the DST protein (p.Arg765Gly). The arginine residue is highly conserved and there is a moderate physicochemical difference between arginine and glycine. This variant is present in population databases (rs746334674, ExAC 0.01%). This variant has not been reported in the literature in individuals affected with DST-related conditions. Algorithms developed to predict the effect of missense changes on protein structure and function (SIFT, PolyPhen-2, Align-GVGD) all suggest that this variant is likely to be disruptive. In summary, the available evidence is currently insufficient to determine the role of this variant in disease. Therefore, it has been classified as a Variant of Uncertain Significance.

Ambry Genetics
Classification: Uncertain significance for Inborn genetic diseases. Last evaluated: 2019-09-13. Review status: criteria provided, single submitter. Criteria: Ambry Variant Classification Scheme 2023. Collection method: clinical testing. Allele origin: germline.
Comment: The p.R1269G variant (also known as c.3805C>G), located in coding exon 28 of the DST gene, results from a C to G substitution at nucleotide position 3805. The arginine at codon 1269 is replaced by glycine, an amino acid with dissimilar properties. This amino acid position is highly conserved in available vertebrate species. In addition, this alteration is predicted to be deleterious by in silico analysis. Since supporting evidence is limited at this time, the clinical significance of this alteration remains unclear.